The following is an entry in ClinVar:

ClinVar aggregate classification (germline): Uncertain significance (0 of 4 stars; one submission).

Conditions:
ANLN-related disorder. Also called: ANLN-related condition.

Submission:

PreventionGenetics, part of Exact Sciences
Classification: Uncertain significance for ANLN-related condition. Last evaluated: 2024-03-07. Review status: no assertion criteria provided. Collection method: clinical testing. Allele origin: germline.
Comment: The ANLN c.2559C>G variant is predicted to result in the amino acid substitution p.Asn853Lys. To our knowledge, this variant has not been reported in the literature or in a large population database, indicating this variant is rare. At this time, the clinical significance of this variant is uncertain due to the absence of conclusive functional and genetic evidence.

NM_018685.5(ANLN):c.2559C>G (p.Asn853Lys)

Gene: ANLN (anillin, actin binding protein; plus strand). Cytogenetic location: 7p14.2.
Variant type: single nucleotide variant.
Coding change: c.2559C>G on transcript NM_018685.5 (MANE Select); coding-DNA position 2559, C replaced by G.
Protein change: p.Asn853Lys; replaces asparagine 853 with lysine.
Molecular consequence: missense variant.
Genome position (GRCh38, 1-based): chr7:36,423,899, C>G. VCF-style: chr7-36423899-C-G. GRCh37 (hg19) VCF-style: chr7-36463508-C-G.
Other names: c.2448C>G, p.Asn816Lys (NM_001284301.3); c.2445C>G, p.Asn815Lys (NM_001284302.3); short protein forms N815K, N816K, N853K.
Identifiers: ClinVar variation 3349132 (VCV003349132.1).